The following is an entry in ClinVar:

ClinVar aggregate classification (germline): Uncertain significance. Review status: criteria provided, multiple submitters, no conflicts (2 of 4 stars). 2 submissions from 2 submitters: Uncertain significance (2). Last evaluated 2025-02-26.

Conditions:
Hereditary cancer-predisposing syndrome. Also called: Neoplastic Syndromes, Hereditary; Tumor predisposition; Hereditary neoplastic syndrome; Hereditary Cancer Syndrome. Identifiers: Orphanet 140162, MedGen C0027672, MeSH D009386, MONDO:0015356.

Allele frequency attached by ClinVar (database versions not stated): TOPMed below 0.00001; gnomAD 0.00001.
gnomAD v4.1: 1 of 1,614,102 alleles (0.000062%); highest among the groups gnomAD compares: Non-Finnish European, 0.000085%; no homozygotes.

Submissions (2):

Labcorp Genetics (formerly Invitae), Labcorp
Classification: Uncertain significance. Last evaluated: 2025-02-26. Review status: criteria provided, single submitter. Criteria: Invitae Variant Classification Sherloc (09022015). Collection method: clinical testing. Allele origin: germline.
Comment: This sequence change replaces asparagine, which is neutral and polar, with lysine, which is basic and polar, at codon 179 of the HOXB13 protein (p.Asn179Lys). This variant is not present in population databases (gnomAD no frequency). This variant has not been reported in the literature in individuals affected with HOXB13-related conditions. ClinVar contains an entry for this variant (Variation ID: 825689). Invitae Evidence Modeling of protein sequence and biophysical properties (such as structural, functional, and spatial information, amino acid conservation, physicochemical variation, residue mobility, and thermodynamic stability) indicates that this missense variant is not expected to disrupt HOXB13 protein function with a negative predictive value of 80%. In summary, the available evidence is currently insufficient to determine the role of this variant in disease. Therefore, it has been classified as a Variant of Uncertain Significance.

Ambry Genetics
Classification: Uncertain significance for Hereditary cancer-predisposing syndrome. Last evaluated: 2024-11-28. Review status: criteria provided, single submitter. Criteria: Ambry Variant Classification Scheme 2023. Collection method: clinical testing. Allele origin: germline.
Comment: The p.N179K variant (also known as c.537C>A), located in coding exon 1 of the HOXB13 gene, results from a C to A substitution at nucleotide position 537. The asparagine at codon 179 is replaced by lysine, an amino acid with similar properties. This amino acid position is not well conserved in available vertebrate species. In addition, this alteration is predicted to be tolerated by in silico analysis. Since supporting evidence is limited at this time, the clinical significance of this alteration remains unclear.

NM_006361.6(HOXB13):c.537C>A (p.Asn179Lys)

Gene: HOXB13 (homeobox B13; minus strand). Cytogenetic location: 17q21.32.
Variant type: single nucleotide variant.
Coding change: c.537C>A on transcript NM_006361.6 (MANE Select); coding-DNA position 537, C replaced by A.
Protein change: p.Asn179Lys; replaces asparagine 179 with lysine.
Molecular consequence: missense variant.
Genome position (GRCh38, 1-based): chr17:48,728,057, G>T on the plus strand (C>A on the coding strand, the complement: HOXB13 is on the minus strand). VCF-style: chr17-48728057-G-T. GRCh37 (hg19) VCF-style: chr17-46805419-G-T.
Other names: short protein forms N179K.
Identifiers: ClinVar variation 825689 (VCV000825689.13), dbSNP rs1213155563, ClinGen allele CA400107242.